The following is an entry in ClinVar:

ClinVar aggregate classification (germline): Uncertain significance (1 of 4 stars; one submission).

Conditions:
Hypertrophic cardiomyopathy 26. Also called: Cardiomyopathy, familial hypertrophic, 26. Identifiers: Orphanet 75249, MedGen C4310749, MONDO:0014883, OMIM 617047.
Distal myopathy with posterior leg and anterior hand involvement. Also called: WILLIAMS DISTAL MYOPATHY. Identifiers: Orphanet 63273, MedGen C3279722, MONDO:0013550, OMIM 614065.
Myofibrillar myopathy 5. Also called: Filaminopathy (type); FILAMINOPATHY, AUTOSOMAL DOMINANT. Identifiers: Orphanet 171445, MedGen C1836050, MONDO:0012289, OMIM 609524.

gnomAD v4.1: 1 of 1,612,780 alleles (0.000062%); highest among the groups gnomAD compares: Middle Eastern, 0.017%; no homozygotes.

Submission:

Labcorp Genetics (formerly Invitae), Labcorp
Classification: Uncertain significance for Distal myopathy with posterior leg and anterior hand involvement; Myofibrillar myopathy 5; Hypertrophic cardiomyopathy 26. Last evaluated: 2024-10-18. Review status: criteria provided, single submitter. Criteria: Invitae Variant Classification Sherloc (09022015). Collection method: clinical testing. Allele origin: germline.
Comment: This sequence change replaces glycine, which is neutral and non-polar, with aspartic acid, which is acidic and polar, at codon 15 of the FLNC protein (p.Gly15Asp). This variant is not present in population databases (gnomAD no frequency). This variant has not been reported in the literature in individuals affected with FLNC-related conditions. An algorithm developed to predict the effect of missense changes on protein structure and function (PolyPhen-2) suggests that this variant is likely to be tolerated. In summary, the available evidence is currently insufficient to determine the role of this variant in disease. Therefore, it has been classified as a Variant of Uncertain Significance.

NM_001458.5(FLNC):c.44G>A (p.Gly15Asp)

Gene: FLNC (filamin C; plus strand). Cytogenetic location: 7q32.1.
Variant type: single nucleotide variant.
Coding change: c.44G>A on transcript NM_001458.5 (MANE Select); coding-DNA position 44, G replaced by A.
Protein change: p.Gly15Asp; replaces glycine 15 with aspartic acid.
Molecular consequence: missense variant.
Genome position (GRCh38, 1-based): chr7:128,830,681, G>A. VCF-style: chr7-128830681-G-A. GRCh37 (hg19) VCF-style: chr7-128470735-G-A.
Other names: c.44G>A, p.Gly15Asp (NM_001127487.2); short protein forms G15D.
Identifiers: ClinVar variation 3762244 (VCV003762244.2).